The following is an entry in ClinVar:

NM_000452.3(SLC10A2):c.260C>T (p.Ser87Leu)

Gene: SLC10A2 (solute carrier family 10 member 2; minus strand). Cytogenetic location: 13q33.1.
Variant type: single nucleotide variant.
Coding change: c.260C>T on transcript NM_000452.3 (MANE Select); coding-DNA position 260, C replaced by T.
Protein change: p.Ser87Leu; replaces serine 87 with leucine.
Molecular consequence: missense variant.
Genome position (GRCh38, 1-based): chr13:103,065,990, G>A on the plus strand (C>T on the coding strand, the complement: SLC10A2 is on the minus strand). VCF-style: chr13-103065990-G-A. GRCh37 (hg19) VCF-style: chr13-103718340-G-A.
Other names: c.260C>T (NM_000452.2); short protein forms S87L.
Identifiers: ClinVar variation 2896301 (VCV002896301.4), dbSNP rs1456902073, ClinGen allele CA388609161.
Genomic context (GRCh38, chr13:103,065,990, plus strand): 5'-GGGCAGCATCCTATAATGAGCACCACTACGGCCTGGAGCGGGAGGATGTCAAAGGCCACC[G>A]ACAGGATGAATCCTGTGAGGGGCATGATTCCAAACTGACAGAGGAAGCCAACACAAATGC-3'
Protein context (NP_000443.2, residues 77-97): GIMPLTGFIL[Ser87Leu]VAFDILPLQA

ClinVar aggregate classification (germline): Uncertain significance. Review status: criteria provided, multiple submitters, no conflicts (2 of 4 stars). 2 submissions from 2 submitters: Uncertain significance (2). Last evaluated 2025-04-02.

gnomAD v4.1: 18 of 1,613,980 alleles (0.0011%); highest among the groups gnomAD compares: Admixed American, 0.0017%; no homozygotes.

Submissions (2):

Labcorp Genetics (formerly Invitae), Labcorp
Classification: Uncertain significance. Last evaluated: 2025-04-02. Review status: criteria provided, single submitter. Criteria: Invitae Variant Classification Sherloc (09022015). Collection method: clinical testing. Allele origin: germline.
Comment: This sequence change replaces serine, which is neutral and polar, with leucine, which is neutral and non-polar, at codon 87 of the SLC10A2 protein (p.Ser87Leu). This variant is present in population databases (no rsID available, gnomAD 0.003%). This variant has not been reported in the literature in individuals affected with SLC10A2-related conditions. ClinVar contains an entry for this variant (Variation ID: 2896301). Invitae Evidence Modeling of protein sequence and biophysical properties (such as structural, functional, and spatial information, amino acid conservation, physicochemical variation, residue mobility, and thermodynamic stability) indicates that this missense variant is not expected to disrupt SLC10A2 protein function with a negative predictive value of 80%. In summary, the available evidence is currently insufficient to determine the role of this variant in disease. Therefore, it has been classified as a Variant of Uncertain Significance.

Ambry Genetics
Classification: Uncertain significance. Last evaluated: 2024-03-07. Review status: criteria provided, single submitter. Criteria: Ambry Variant Classification Scheme 2023. Collection method: clinical testing. Allele origin: germline.